The following is an entry in ClinVar:

ClinVar aggregate classification (germline): Uncertain significance. Review status: criteria provided, multiple submitters, no conflicts (2 of 4 stars). 2 submissions from 2 submitters: Uncertain significance (2). Last evaluated 2025-12-15.

Allele frequency attached by ClinVar (database versions not stated): TOPMed below 0.00001; gnomAD exomes 0.00001; ExAC 0.00002.
gnomAD v4.1: 12 of 1,613,922 alleles (0.00074%); highest among the groups gnomAD compares: Non-Finnish European, 0.00093%; no homozygotes.

Submissions (2):

Labcorp Genetics (formerly Invitae), Labcorp
Classification: Uncertain significance. Last evaluated: 2025-12-15. Review status: criteria provided, single submitter. Criteria: Invitae Variant Classification Sherloc (09022015). Collection method: clinical testing. Allele origin: germline.
Comment: This sequence change replaces phenylalanine, which is neutral and non-polar, with leucine, which is neutral and non-polar, at codon 392 of the FBLN5 protein (p.Phe392Leu). This variant is present in population databases (rs780349776, gnomAD 0.002%). This variant has not been reported in the literature in individuals affected with FBLN5-related conditions. ClinVar contains an entry for this variant (Variation ID: 1320391). Invitae Evidence Modeling of protein sequence and biophysical properties (such as structural, functional, and spatial information, amino acid conservation, physicochemical variation, residue mobility, and thermodynamic stability) indicates that this missense variant is expected to disrupt FBLN5 protein function with a positive predictive value of 80%. In summary, the available evidence is currently insufficient to determine the role of this variant in disease. Therefore, it has been classified as a Variant of Uncertain Significance.

GeneDx
Classification: Uncertain significance. Last evaluated: 2019-12-02. Review status: criteria provided, single submitter. Criteria: GeneDx Variant Classification Process June 2021. Collection method: clinical testing. Allele origin: germline. Affected: yes.
Comment: Has not been previously published as pathogenic or benign to our knowledge; Not observed at a significant frequency in large population cohorts (Lek et al., 2016); In silico analysis, which includes protein predictors and evolutionary conservation, supports a deleterious effect

NM_006329.4(FBLN5):c.1174T>C (p.Phe392Leu)

Gene: FBLN5 (fibulin 5; minus strand). Cytogenetic location: 14q32.12.
Variant type: single nucleotide variant.
Coding change: c.1174T>C on transcript NM_006329.4 (MANE Select); coding-DNA position 1174, T replaced by C.
Protein change: p.Phe392Leu; replaces phenylalanine 392 with leucine.
Molecular consequence: missense variant.
Genome position (GRCh38, 1-based): chr14:91,877,498, A>G on the plus strand (T>C on the coding strand, the complement: FBLN5 is on the minus strand). VCF-style: chr14-91877498-A-G. GRCh37 (hg19) VCF-style: chr14-92343842-A-G.
Other names: c.1297T>C, p.Phe433Leu (NM_001384158.1); c.1225T>C, p.Phe409Leu (NM_001384159.1); c.1174T>C, p.Phe392Leu (NM_001384160.1); c.1006T>C, p.Phe336Leu (NM_001384161.1, NM_001384162.1); short protein forms F336L, F392L, F409L, F433L.
Identifiers: ClinVar variation 1320391 (VCV001320391.7), dbSNP rs780349776, ClinGen allele CA7312609.
Genomic context (GRCh38, chr14:91,877,498, plus strand): 5'-CACAAGGCCACTGTTACAGATGGCGTCCCCACTCCCCACTCCCTCTTACCCGCATGTAAA[A>G]TTCTCTGCCCTCATTCCCAGATTTGATCTGGAAAATGTAATAGGCCCCAGGGTAGCGGGT-3'
Protein context (NP_006320.2, residues 382-402): QIKSGNEGRE[Phe392Leu]YMRQTGPISA